The following is an entry in ClinVar:

NM_000038.6(APC):c.4481A>G (p.Glu1494Gly)

Gene: APC (APC regulator of Wnt signaling pathway; plus strand). Cytogenetic location: 5q22.2.
Variant type: single nucleotide variant.
Coding change: c.4481A>G on transcript NM_000038.6 (MANE Select); coding-DNA position 4481, A replaced by G.
Protein change: p.Glu1494Gly; replaces glutamic acid 1494 with glycine.
Molecular consequence: missense variant.
Genome position (GRCh38, 1-based): chr5:112,840,075, A>G. VCF-style: chr5-112840075-A-G. GRCh37 (hg19) VCF-style: chr5-112175772-A-G.
Other names: c.4481A>G (NM_000038.5); c.4481A>G, p.Glu1494Gly (NM_001127510.3, NM_001354895.2); c.4427A>G, p.Glu1476Gly (NM_001127511.3); c.4535A>G, p.Glu1512Gly (NM_001354896.2); c.4511A>G, p.Glu1504Gly (NM_001354897.2); c.4406A>G, p.Glu1469Gly (NM_001354898.2); c.4397A>G, p.Glu1466Gly (NM_001354899.2); c.4358A>G, p.Glu1453Gly (NM_001354900.2); and 6 more; short protein forms E1368G, E1393G, E1453G, E1494G, E1512G, E1211G, E1466G, E1469G.
Identifiers: ClinVar variation 1465460 (VCV001465460.9), dbSNP rs2149915821, ClinGen allele CA16031140.
Genomic context (GRCh38, chr5:112,840,075, plus strand): 5'-CTGCAGTTCAGAGGGTCCAGGTTCTTCCAGATGCTGATACTTTATTACATTTTGCCACGG[A>G]AAGTACTCCAGATGGATTTTCTTGTTCATCCAGCCTGAGTGCTCTGAGCCTCGATGAGCC-3'
Protein context (NP_000029.2, residues 1484-1504): DADTLLHFAT[Glu1494Gly]STPDGFSCSS

ClinVar aggregate classification (germline): Uncertain significance. Review status: criteria provided, multiple submitters, no conflicts (2 of 4 stars). 3 submissions from 3 submitters: Uncertain significance (3). Last evaluated 2025-03-04.

Conditions:
Familial adenomatous polyposis 1 (FAP1). Also called: FAMILIAL ADENOMATOUS POLYPOSIS 1, ATTENUATED; POLYPOSIS, ADENOMATOUS INTESTINAL. Identifiers: MedGen C2713442, MONDO:0021056, OMIM 175100. Disease mechanism: loss of function.
Hereditary cancer-predisposing syndrome. Also called: Tumor predisposition; Hereditary neoplastic syndrome; Hereditary Cancer Syndrome; Neoplastic Syndromes, Hereditary. Identifiers: Orphanet 140162, MedGen C0027672, MeSH D009386, MONDO:0015356.

gnomAD v4.1: 1 of 1,614,128 alleles (0.000062%); highest among the groups gnomAD compares: Non-Finnish European, 0.000085%; no homozygotes.

Submissions (3):

Center for Genomic Medicine, Rigshospitalet, Copenhagen University Hospital
Classification: Uncertain significance. Last evaluated: 2025-03-04. Review status: criteria provided, single submitter. Criteria: ACMG Guidelines, 2015. Collection method: clinical testing. Allele origin: germline.

Ambry Genetics
Classification: Uncertain significance for Hereditary cancer-predisposing syndrome. Last evaluated: 2024-08-04. Review status: criteria provided, single submitter. Criteria: Ambry Variant Classification Scheme 2023. Collection method: clinical testing. Allele origin: germline.
Comment: The p.E1494G variant (also known as c.4481A>G), located in coding exon 15 of the APC gene, results from an A to G substitution at nucleotide position 4481. The glutamic acid at codon 1494 is replaced by glycine, an amino acid with similar properties. This amino acid position is conserved. In addition, in silico predictors for this gene do not accurately predict pathogenicity. Based on the available evidence, the clinical significance of this variant remains unclear.

Labcorp Genetics (formerly Invitae), Labcorp
Classification: Uncertain significance for Familial adenomatous polyposis 1. Last evaluated: 2021-11-21. Review status: criteria provided, single submitter. Criteria: Invitae Variant Classification Sherloc (09022015). Collection method: clinical testing. Allele origin: germline.
Comment: This sequence change replaces glutamic acid, which is acidic and polar, with glycine, which is neutral and non-polar, at codon 1494 of the APC protein (p.Glu1494Gly). This variant is not present in population databases (gnomAD no frequency). In summary, the available evidence is currently insufficient to determine the role of this variant in disease. Therefore, it has been classified as a Variant of Uncertain Significance. Algorithms developed to predict the effect of missense changes on protein structure and function (SIFT, PolyPhen-2, Align-GVGD) all suggest that this variant is likely to be disruptive. This variant has not been reported in the literature in individuals affected with APC-related conditions.